The following is an entry in ClinVar:

ClinVar aggregate classification (germline): Conflicting classifications of pathogenicity. Review status: criteria provided, conflicting classifications (1 of 4 stars). 4 submissions from 4 submitters: Uncertain significance (1); Benign (1); Likely benign (2). Last evaluated 2025-06-17.

Conditions:
Hereditary cancer-predisposing syndrome. Also called: Hereditary neoplastic syndrome; Neoplastic Syndromes, Hereditary; Tumor predisposition; Hereditary Cancer Syndrome. Identifiers: Orphanet 140162, MedGen C0027672, MeSH D009386, MONDO:0015356.
Multiple endocrine neoplasia, type 1 (MEN1). Also called: MEA I; Endocrine adenomatosis multiple; MEN 1; MEN I; WERMER SYNDROME. Identifiers: Orphanet 652, MedGen C0025267, MeSH D018761, MONDO:0007540, OMIM 131100.

Submissions (4):

Labcorp Genetics (formerly Invitae), Labcorp
Classification: Likely benign for Multiple endocrine neoplasia, type 1. Last evaluated: 2025-06-17. Review status: criteria provided, single submitter. Criteria: Invitae Variant Classification Sherloc (09022015). Collection method: clinical testing. Allele origin: germline.

Myriad Genetics, Inc.
Classification: Benign for Multiple endocrine neoplasia, type 1. Last evaluated: 2024-10-31. Review status: criteria provided, single submitter. Criteria: Myriad Autosomal Dominant, Autosomal Recessive and X-Linked Classification Criteria (2023). Collection method: clinical testing. Allele origin: unknown.
Comment: This variant is considered benign. This variant is a silent/synonymous amino acid change and it is not expected to impact splicing.

GeneDx
Classification: Uncertain significance. Last evaluated: 2023-12-22. Review status: criteria provided, single submitter. Criteria: GeneDx Variant Classification Process June 2021. Collection method: clinical testing. Allele origin: germline. Affected: yes.
Comment: Not observed at significant frequency in large population cohorts (gnomAD); In silico analysis supports that this variant does not alter splicing; Has not been previously published as pathogenic or benign to our knowledge

Ambry Genetics
Classification: Likely benign for Hereditary cancer-predisposing syndrome. Last evaluated: 2022-07-29. Review status: criteria provided, single submitter. Criteria: Ambry Variant Classification Scheme 2023. Collection method: clinical testing. Allele origin: germline.

NM_001370259.2(MEN1):c.228C>T (p.Thr76=)

Gene: MEN1 (menin 1; minus strand). Cytogenetic location: 11q13.1.
Variant type: single nucleotide variant.
Coding change: c.228C>T on transcript NM_001370259.2 (MANE Select); coding-DNA position 228, C replaced by T.
Protein change: p.Thr76=; no amino-acid change (threonine 76 retained).
Molecular consequence: synonymous variant.
Genome position (GRCh38, 1-based): chr11:64,809,882, G>A on the plus strand (C>T on the coding strand, the complement: MEN1 is on the minus strand). VCF-style: chr11-64809882-G-A. GRCh37 (hg19) VCF-style: chr11-64577354-G-A.
Other names: c.228C>T, p.Thr76= (NM_000244.4, NM_001370251.2, NM_001370260.2 and 9 more transcripts).
Identifiers: ClinVar variation 733598 (VCV000733598.13), dbSNP rs1394017906, ClinGen allele CA475163793.